The following is an entry in ClinVar:

NM_017849.4(TMEM127):c.230C>T (p.Pro77Leu)

Gene: TMEM127 (transmembrane protein 127; minus strand). Cytogenetic location: 2q11.2.
Variant type: single nucleotide variant.
Coding change: c.230C>T on transcript NM_017849.4 (MANE Select); coding-DNA position 230, C replaced by T.
Protein change: p.Pro77Leu; replaces proline 77 with leucine.
Molecular consequence: missense variant.
Genome position (GRCh38, 1-based): chr2:96,265,152, G>A on the plus strand (C>T on the coding strand, the complement: TMEM127 is on the minus strand). VCF-style: chr2-96265152-G-A. GRCh37 (hg19) VCF-style: chr2-96930890-G-A.
Other names: c.230C>T, p.Pro77Leu (NM_001193304.3); short protein forms P77L.
Identifiers: ClinVar variation 1054645 (VCV001054645.12), dbSNP rs368949257, ClinGen allele CA1777380.

ClinVar aggregate classification (germline): Uncertain significance. Review status: criteria provided, multiple submitters, no conflicts (2 of 4 stars). 2 submissions from 2 submitters: Uncertain significance (2). Last evaluated 2026-01-08.

Conditions:
Hereditary cancer-predisposing syndrome. Also called: Tumor predisposition; Neoplastic Syndromes, Hereditary; Hereditary Cancer Syndrome; Hereditary neoplastic syndrome. Identifiers: Orphanet 140162, MedGen C0027672, MeSH D009386, MONDO:0015356.
Hereditary pheochromocytoma and paraganglioma. Also called: Hereditary paragangliomas and pheochromocytomas; Hereditary pheochromocytoma-paraganglioma; Hereditary Paraganglioma-Pheochromocytoma Syndromes. Identifiers: Orphanet 29072, MedGen C4274332, MONDO:0017366.

Allele frequency attached by ClinVar (database versions not stated): gnomAD exomes below 0.00001; ExAC 0.00001; gnomAD 0.00001; TOPMed 0.00002; ESP Exome Variant Server 0.00008.
gnomAD v4.1: 5 of 1,611,706 alleles (0.00031%); highest among the groups gnomAD compares: East Asian, 0.0067%; no homozygotes.

Submissions (2):

Labcorp Genetics (formerly Invitae), Labcorp
Classification: Uncertain significance for Hereditary pheochromocytoma and paraganglioma. Last evaluated: 2026-01-08. Review status: criteria provided, single submitter. Criteria: Invitae Variant Classification Sherloc (09022015). Collection method: clinical testing. Allele origin: germline.
Comment: This sequence change replaces proline, which is neutral and non-polar, with leucine, which is neutral and non-polar, at codon 77 of the TMEM127 protein (p.Pro77Leu). The frequency data for this variant in the population databases is considered unreliable, as metrics indicate poor data quality at this position in the gnomAD database. This variant has not been reported in the literature in individuals affected with TMEM127-related conditions. ClinVar contains an entry for this variant (Variation ID: 1054645). An algorithm developed to predict the effect of missense changes on protein structure and function (PolyPhen-2) suggests that this variant is likely to be tolerated. In summary, the available evidence is currently insufficient to determine the role of this variant in disease. Therefore, it has been classified as a Variant of Uncertain Significance.

Ambry Genetics
Classification: Uncertain significance for Hereditary cancer-predisposing syndrome. Last evaluated: 2024-09-08. Review status: criteria provided, single submitter. Criteria: Ambry Variant Classification Scheme 2023. Collection method: clinical testing. Allele origin: germline.
Comment: The p.P77L variant (also known as c.230C>T), located in coding exon 1 of the TMEM127 gene, results from a C to T substitution at nucleotide position 230. The proline at codon 77 is replaced by leucine, an amino acid with similar properties. This amino acid position is conserved. In addition, the in silico prediction for this alteration is inconclusive. Since supporting evidence is limited at this time, the clinical significance of this alteration remains unclear.